The following is an entry in ClinVar:

NM_001035.3(RYR2):c.706T>C (p.Leu236=)

Gene: RYR2 (ryanodine receptor 2; plus strand). Cytogenetic location: 1q43.
Variant type: single nucleotide variant.
Coding change: c.706T>C on transcript NM_001035.3 (MANE Select); coding-DNA position 706, T replaced by C.
Protein change: p.Leu236=; no amino-acid change (leucine 236 retained).
Molecular consequence: synonymous variant.
Genome position (GRCh38, 1-based): chr1:237,388,116, T>C. VCF-style: chr1-237388116-T-C. GRCh37 (hg19) VCF-style: chr1-237551416-T-C.
Identifiers: ClinVar variation 1596825 (VCV001596825.10), dbSNP rs1032660273, ClinGen allele CA39776107.

ClinVar aggregate classification (germline): Likely benign. Review status: criteria provided, multiple submitters, no conflicts (2 of 4 stars). 2 submissions from 2 submitters: Likely benign (2). Last evaluated 2024-10-31.

Conditions:
Catecholaminergic polymorphic ventricular tachycardia (CVPT). Also called: Catecholamine-induced polymorphic ventricular tachycardia. Identifiers: Orphanet 3286, MedGen C5574922, MONDO:0017990.
Catecholaminergic polymorphic ventricular tachycardia 1. Also called: VENTRICULAR TACHYCARDIA, STRESS-INDUCED POLYMORPHIC 1; VENTRICULAR TACHYCARDIA, CATECHOLAMINERGIC POLYMORPHIC, 1, WITH OR WITHOUT ATRIAL DYSFUNCTION AND/OR DILATED CARDIOMYOPATHY; RYR2-Related Catecholaminergic Polymorphic Ventricular Tachycardia. Identifiers: Orphanet 3286, MedGen C1631597, MONDO:0011484, OMIM 604772.

Allele frequency attached by ClinVar (database versions not stated): gnomAD exomes below 0.00001.
gnomAD v4.1: 1 of 1,613,934 alleles (0.000062%); highest among the groups gnomAD compares: Admixed American, 0.0017%; no homozygotes.

Submissions (2):

Labcorp Genetics (formerly Invitae), Labcorp
Classification: Likely benign for Catecholaminergic polymorphic ventricular tachycardia 1. Last evaluated: 2024-10-31. Review status: criteria provided, single submitter. Criteria: Invitae Variant Classification Sherloc (09022015). Collection method: clinical testing. Allele origin: germline.

All of Us Research Program, National Institutes of Health
Classification: Likely benign for Catecholaminergic polymorphic ventricular tachycardia. Last evaluated: 2023-11-02. Review status: criteria provided, single submitter. Criteria: ACMG Guidelines, 2015. Collection method: clinical testing. Allele origin: germline. Inheritance: Autosomal dominant inheritance. Observed: 1 variant allele, 1 heterozygote.
Comment: This study involves interpretation of variants in research participants for the purpose of population health screening. Participant phenotype was not available at the time of variant classification. Additional details can be found in publication PMID: 35346344, PMCID: PMC8962531